The following is an entry in ClinVar:

ClinVar aggregate classification (germline): Uncertain significance (1 of 4 stars; one submission).

Conditions:
Tietz syndrome (TADS). Also called: TIETZ ALBINISM-DEAFNESS SYNDROME; ALBINISM-DEAFNESS OF TIETZ; HYPOPIGMENTATION/DEAFNESS OF TIETZ. Identifiers: Orphanet 42665, MedGen C0391816, MONDO:0007077, OMIM 103500.
Melanoma, cutaneous malignant, susceptibility to, 8. Also called: MELANOMA AND RENAL CELL CARCINOMA, SUSCEPTIBILITY TO; Cutaneous malignant melanoma 8. Identifiers: Orphanet 293822, MedGen C3152204, MONDO:0013759, OMIM 614456.
Waardenburg syndrome type 2A (WS2A). Also called: WAARDENBURG SYNDROME WITHOUT DYSTOPIA CANTHORUM. Identifiers: Orphanet 3440, MedGen C1860339, MONDO:0008671, OMIM 193510.

Allele frequency attached by ClinVar (database versions not stated): ExAC 0.00001.
gnomAD v4.1: 1 of 1,614,156 alleles (0.000062%); highest among the groups gnomAD compares: Admixed American, 0.0017%; no homozygotes.

Submission:

Labcorp Genetics (formerly Invitae), Labcorp
Classification: Uncertain significance for Melanoma, cutaneous malignant, susceptibility to, 8; Waardenburg syndrome type 2A; Tietz syndrome. Last evaluated: 2022-05-05. Review status: criteria provided, single submitter. Criteria: Invitae Variant Classification Sherloc (09022015). Collection method: clinical testing. Allele origin: germline.
Comment: Algorithms developed to predict the effect of missense changes on protein structure and function (SIFT, PolyPhen-2, Align-GVGD) all suggest that this variant is likely to be tolerated. In summary, the available evidence is currently insufficient to determine the role of this variant in disease. Therefore, it has been classified as a Variant of Uncertain Significance. This variant has not been reported in the literature in individuals affected with MITF-related conditions. This variant is present in population databases (rs747981893, gnomAD 0.003%). This sequence change replaces histidine, which is basic and polar, with aspartic acid, which is acidic and polar, at codon 332 of the MITF protein (p.His332Asp).

NM_001354604.2(MITF):c.1315C>G (p.His439Asp)

Gene: MITF (melanocyte inducing transcription factor; plus strand). Cytogenetic location: 3p13.
Variant type: single nucleotide variant.
Coding change: c.1315C>G on transcript NM_001354604.2 (MANE Select); coding-DNA position 1315, C replaced by G.
Protein change: p.His439Asp; replaces histidine 439 with aspartic acid.
Molecular consequence: missense variant.
Genome position (GRCh38, 1-based): chr3:69,964,982, C>G. VCF-style: chr3-69964982-C-G. GRCh37 (hg19) VCF-style: chr3-70014133-C-G.
Other names: c.994C>G, p.His332Asp (NM_000248.4); c.1141C>G, p.His381Asp (NM_001184967.2, NM_001354608.2); c.1312C>G, p.His438Asp (NM_001354605.2); c.1294C>G, p.His432Asp (NM_001354606.2, NM_006722.3); c.1246C>G, p.His416Asp (NM_001354607.2); c.976C>G, p.His326Asp (NM_198158.3); c.1297C>G, p.His433Asp (NM_198159.3); c.1249C>G, p.His417Asp (NM_198177.3); and 1 more; short protein forms H270D, H416D, H432D, H438D, H439D, H326D, H332D, H433D.
Identifiers: ClinVar variation 2134171 (VCV002134171.4), dbSNP rs747981893, ClinGen allele CA2490639.
Genomic context (GRCh38, chr3:69,964,982, plus strand): 5'-AATCGGATCATCAAGCAAGAACCCGTTCTTGAGAACTGCAGCCAAGACCTCCTTCAGCAT[C>G]ATGCAGACCTAACCTGTACAACAACTCTCGATCTCACGGATGGCACCATCACCTTCAACA-3'
Protein context (NP_001341533.1, residues 429-449): ENCSQDLLQH[His439Asp]ADLTCTTTLD